The following is an entry in ClinVar:

NM_001128225.3(SLC39A13):c.1037C>G (p.Pro346Arg)

Gene: SLC39A13 (solute carrier family 39 member 13; plus strand). Cytogenetic location: 11p11.2.
Variant type: single nucleotide variant.
Coding change: c.1037C>G on transcript NM_001128225.3 (MANE Select); coding-DNA position 1037, C replaced by G.
Protein change: p.Pro346Arg; replaces proline 346 with arginine.
Molecular consequence: missense variant. On other transcripts: 3 prime UTR variant (1), non-coding transcript variant (1).
Genome position (GRCh38, 1-based): chr11:47,415,156, C>G. VCF-style: chr11-47415156-C-G. GRCh37 (hg19) VCF-style: chr11-47436707-C-G.
Other names: c.*34C>G (NM_001330245.2); c.1016C>G, p.Pro339Arg (NM_152264.5); short protein forms P339R, P346R.
Identifiers: ClinVar variation 2808026 (VCV002808026.3), dbSNP rs35978122, ClinGen allele CA380315254.

ClinVar aggregate classification (germline): Uncertain significance (1 of 4 stars; one submission).

Conditions:
Ehlers-Danlos syndrome, spondylodysplastic type, 3. Also called: Ehlers-Danlos syndrome, spondylocheirodysplastic type. Identifiers: Orphanet 157965, MedGen C2676510, MONDO:0012873, OMIM 612350.

gnomAD v4.1: 1 of 1,611,536 alleles (0.000062%); highest among the groups gnomAD compares: South Asian, 0.0011%; no homozygotes.

Submission:

Labcorp Genetics (formerly Invitae), Labcorp
Classification: Uncertain significance for Ehlers-Danlos syndrome, spondylodysplastic type, 3. Last evaluated: 2023-06-25. Review status: criteria provided, single submitter. Criteria: Invitae Variant Classification Sherloc (09022015). Collection method: clinical testing. Allele origin: germline.
Comment: In summary, the available evidence is currently insufficient to determine the role of this variant in disease. Therefore, it has been classified as a Variant of Uncertain Significance. Advanced modeling of protein sequence and biophysical properties (such as structural, functional, and spatial information, amino acid conservation, physicochemical variation, residue mobility, and thermodynamic stability) performed at Invitae indicates that this missense variant is not expected to disrupt SLC39A13 protein function. This variant has not been reported in the literature in individuals affected with SLC39A13-related conditions. This variant is not present in population databases (gnomAD no frequency). This sequence change replaces proline, which is neutral and non-polar, with arginine, which is basic and polar, at codon 339 of the SLC39A13 protein (p.Pro339Arg).